The following is an entry in ClinVar:

ClinVar aggregate classification (germline): Uncertain significance (1 of 4 stars; one submission).

Conditions:
Cowden syndrome (CS). Also called: Cowden's disease; Cowden's syndrome; Cowden disease. Identifiers: Orphanet 201, MedGen C0018553, MONDO:0016063. Disease mechanism: gain of function.

Submission:

Labcorp Genetics (formerly Invitae), Labcorp
Classification: Uncertain significance for Cowden syndrome. Last evaluated: 2025-03-31. Review status: criteria provided, single submitter. Criteria: Invitae Variant Classification Sherloc (09022015). Collection method: clinical testing. Allele origin: germline.
Comment: This variant, c.831_833del, results in the deletion of 1 amino acid(s) of the PIK3CA protein (p.Ile277del), but otherwise preserves the integrity of the reading frame. This variant is not present in population databases (gnomAD no frequency). This variant has not been reported in the literature in individuals affected with PIK3CA-related conditions. ClinVar contains an entry for this variant (Variation ID: 1382307). Experimental studies and prediction algorithms are not available or were not evaluated, and the functional significance of this variant is currently unknown. In summary, the available evidence is currently insufficient to determine the role of this variant in disease. Therefore, it has been classified as a Variant of Uncertain Significance.

NM_006218.4(PIK3CA):c.831_833del (p.Ile277del)

Gene: PIK3CA (phosphatidylinositol-4,5-bisphosphate 3-kinase catalytic subunit alpha; plus strand). Cytogenetic location: 3q26.32.
Variant type: Deletion.
Coding change: c.831_833del on transcript NM_006218.4 (MANE Select); coding-DNA positions 831 to 833, 3 bases deleted (AAT; older notation c.831_833delAAT).
Protein change: p.Ile277del; deletes isoleucine 277.
Molecular consequence: inframe deletion.
Genome position (GRCh38, 1-based): chr3:179,203,561-179,203,563, AAT deleted; deleting any 3 consecutive bases within chr3:179,203,559-179,203,563 gives the same sequence; the c. name uses the placement nearest the transcript's 3' end. VCF-style (leftmost placement, unchanged base first): chr3-179203558-TATA-T. GRCh37 (hg19) VCF-style: chr3-178921346-TATA-T.
Other names: short protein forms I277del.
Identifiers: ClinVar variation 1382307 (VCV001382307.8), dbSNP rs2108392531, ClinGen allele CA2573136780.